The following is an entry in ClinVar:

ClinVar aggregate classification (germline): Conflicting classifications of pathogenicity. Review status: criteria provided, conflicting classifications (1 of 4 stars). 2 submissions from 2 submitters: Uncertain significance (1); Likely benign (1). Last evaluated 2024-02-27.

Allele frequency attached by ClinVar (database versions not stated): gnomAD below 0.00001 and 0.00002; TOPMed 0.00001; gnomAD exomes 0.00006 and 0.00010; ExAC 0.00011.
gnomAD v4.1: 93 of 1,612,472 alleles (0.0058%); highest among the groups gnomAD compares: South Asian, 0.096%; no homozygotes.

Submissions (2):

Ambry Genetics
Classification: Likely benign. Last evaluated: 2024-02-27. Review status: criteria provided, single submitter. Criteria: Ambry Variant Classification Scheme 2023. Collection method: clinical testing. Allele origin: germline.

Labcorp Genetics (formerly Invitae), Labcorp
Classification: Uncertain significance. Last evaluated: 2023-12-18. Review status: criteria provided, single submitter. Criteria: Invitae Variant Classification Sherloc (09022015). Collection method: clinical testing. Allele origin: germline.
Comment: This sequence change replaces isoleucine, which is neutral and non-polar, with valine, which is neutral and non-polar, at codon 551 of the RECQL protein (p.Ile551Val). This variant is present in population databases (rs767718965, gnomAD 0.07%), and has an allele count higher than expected for a pathogenic variant. This variant has not been reported in the literature in individuals affected with RECQL-related conditions. ClinVar contains an entry for this variant (Variation ID: 1024646). Advanced modeling of protein sequence and biophysical properties (such as structural, functional, and spatial information, amino acid conservation, physicochemical variation, residue mobility, and thermodynamic stability) performed at Invitae indicates that this missense variant is not expected to disrupt RECQL protein function with a negative predictive value of 80%. In summary, the available evidence is currently insufficient to determine the role of this variant in disease. Therefore, it has been classified as a Variant of Uncertain Significance.

NM_002907.4(RECQL):c.1651A>G (p.Ile551Val)

Gene: RECQL (RecQ like helicase; minus strand). Cytogenetic location: 12p12.1.
Variant type: single nucleotide variant.
Coding change: c.1651A>G on transcript NM_002907.4 (MANE Select); coding-DNA position 1651, A replaced by G.
Protein change: p.Ile551Val; replaces isoleucine 551 with valine.
Molecular consequence: missense variant.
Genome position (GRCh38, 1-based): chr12:21,471,444, T>C on the plus strand (A>G on the coding strand, the complement: RECQL is on the minus strand). VCF-style: chr12-21471444-T-C. GRCh37 (hg19) VCF-style: chr12-21624378-T-C.
Other names: c.1651A>G, p.Ile551Val (NM_032941.3); short protein forms I551V.
Identifiers: ClinVar variation 1024646 (VCV001024646.11), dbSNP rs767718965, ClinGen allele CA6478700.